The following is an entry in ClinVar:

NM_001370259.2(MEN1):c.1102del (p.Ala368fs)

Gene: MEN1 (menin 1; minus strand). Cytogenetic location: 11q13.1.
Variant type: Deletion.
Coding change: c.1102del on transcript NM_001370259.2 (MANE Select); coding-DNA position 1102, one base deleted (G; older notation c.1102delG).
Protein change: p.Ala368fs; shifts the reading frame from alanine 368.
Molecular consequence: frameshift variant.
Genome position (GRCh38, 1-based): chr11:64,805,718, C deleted on the plus strand (G on the coding strand, the reverse complement: MEN1 is on the minus strand). VCF-style (leftmost placement, unchanged base first): chr11-64805717-GC-G. GRCh37 (hg19) VCF-style: chr11-64573189-GC-G.
Other names: c.1102delG (NM_130799.2); c.1117del, p.Ala373fs (NM_000244.4, NM_130800.3, NM_130801.3 and 3 more transcripts); c.1228del, p.Ala410fs (NM_001370251.2); c.1102del, p.Ala368fs (NM_001370260.2, NM_001370261.2, NM_130799.3); c.997del, p.Ala333fs (NM_001370262.2, NM_001370263.2); short protein forms A333fs, A368fs, A373fs, A410fs.
Identifiers: ClinVar variation 1177279 (VCV001177279.2), dbSNP rs2136110242, ClinGen allele CA2499221149.

ClinVar aggregate classification (germline): Likely pathogenic (1 of 4 stars; one submission).

Conditions:
Multiple endocrine neoplasia, type 1 (MEN1). Also called: MEA I; WERMER SYNDROME; Endocrine adenomatosis multiple; MEN 1; MEN I. Identifiers: Orphanet 652, MedGen C0025267, MeSH D018761, MONDO:0007540, OMIM 131100.

Submission:

Women's Health and Genetics/Laboratory Corporation of America, LabCorp
Classification: Likely pathogenic for Multiple endocrine neoplasia, type 1. Last evaluated: 2021-07-01. Review status: criteria provided, single submitter. Criteria: LabCorp Variant Classification Summary - May 2015. Collection method: clinical testing. Allele origin: germline.
Comment: Variant summary: MEN1 c.1102delG (p.Ala368ProfsX9) results in a premature termination codon, predicted to cause a truncation of the encoded protein or absence of the protein due to nonsense mediated decay, which are commonly known mechanisms for disease. The variant was absent in 251372 control chromosomes (gnomAD). To our knowledge, no occurrence of c.1102delG in individuals affected with Multiple Endocrine Neoplasia Type 1 and no experimental evidence demonstrating its impact on protein function have been reported. No clinical diagnostic laboratories have submitted clinical-significance assessments for this variant to ClinVar after 2014. Based on the evidence outlined above, the variant was classified as likely pathogenic.